The following is an entry in ClinVar:

NM_000562.3(C8A):c.832G>T (p.Glu278Ter)

Gene: C8A (complement C8 alpha chain; plus strand). Cytogenetic location: 1p32.2.
Variant type: single nucleotide variant.
Coding change: c.832G>T on transcript NM_000562.3 (MANE Select); coding-DNA position 832, G replaced by T.
Protein change: p.Glu278Ter; replaces glutamic acid 278 with a stop codon.
Molecular consequence: nonsense.
Genome position (GRCh38, 1-based): chr1:56,883,658, G>T. VCF-style: chr1-56883658-G-T. GRCh37 (hg19) VCF-style: chr1-57349331-G-T.
Other names: short protein forms E278*.
Identifiers: ClinVar variation 2999998 (VCV002999998.3), dbSNP rs777495880, ClinGen allele CA340516249.
Genomic context (GRCh38, chr1:56,883,658, plus strand): 5'-GGCAGCCCTTTATTGGTGGGTGTAGGTGTATCCCACTCACAAGACACTTCATTCTTGAAC[G>T]AATTAAACAAGTATAATGAGAAGGTATTCAAACATAATGTCTGTGTCTCACAGTATTCCA-3'

ClinVar aggregate classification (germline): Pathogenic (1 of 4 stars; one submission).

Allele frequency attached by ClinVar (database versions not stated): TOPMed 0.00001.
gnomAD v4.1: 1 of 1,613,542 alleles (0.000062%); highest among the groups gnomAD compares: Admixed American, 0.0017%; no homozygotes.

Submission:

Labcorp Genetics (formerly Invitae), Labcorp
Classification: Pathogenic. Last evaluated: 2023-01-02. Review status: criteria provided, single submitter. Criteria: Invitae Variant Classification Sherloc (09022015). Collection method: clinical testing. Allele origin: germline.
Comment: For these reasons, this variant has been classified as Pathogenic. Algorithms developed to predict the effect of sequence changes on RNA splicing suggest that this variant may disrupt the consensus splice site. This variant has not been reported in the literature in individuals affected with C8A-related conditions. This variant is not present in population databases (gnomAD no frequency). This sequence change creates a premature translational stop signal (p.Glu278*) in the C8A gene. It is expected to result in an absent or disrupted protein product. Loss-of-function variants in C8A are known to be pathogenic (PMID: 9759902).

Literature cited by the submitters: PubMed 9759902.